The following is an entry in ClinVar:

ClinVar aggregate classification (germline): Pathogenic/Likely pathogenic. Review status: criteria provided, multiple submitters, no conflicts (2 of 4 stars). 3 submissions from 3 submitters: Pathogenic (1); Likely pathogenic (2). Last evaluated 2024-09-20.

Conditions:
Oculocutaneous albinism type 1A (OCA1A). Also called: Albinism, oculocutaneous, type IA. Identifiers: Orphanet 352731, Orphanet 79431, MedGen C4551504, MONDO:0008745, OMIM 203100. Disease mechanism: loss of function.
Oculocutaneous albinism type 1B (OCA1B). Also called: YELLOW ALBINISM; ALBINISM, OCULOCUTANEOUS, TYPE IB; ALBINISM, YELLOW MUTANT TYPE. Identifiers: Orphanet 352731, Orphanet 352737, Orphanet 79434, MedGen C1847024, MONDO:0011749, OMIM 606952.
SKIN/HAIR/EYE PIGMENTATION 3, LIGHT/DARK SKIN (SHEP3). Also called: SKIN/HAIR/EYE PIGMENTATION 3, BLUE/GREEN EYE COLOR; SKIN/HAIR/EYE PIGMENTATION 3, FRECKLING; SKIN/HAIR/EYE PIGMENTATION, VARIATION IN, 3; EYE COLOR 1; EYE COLOR, GREEN/BLUE. Identifiers: MedGen C2677190, OMIM 601800.
TYR-related disorder. Also called: TYR-related condition.

Submissions (3):

Blueprint Genetics
Classification: Likely pathogenic for TYR-related disorders. Last evaluated: 2024-09-20. Review status: criteria provided, single submitter. Criteria: ACMG Guidelines, 2015. Collection method: clinical testing. Allele origin: germline. Affected: yes. Observed: 2 variant alleles.

Fulgent Genetics
Classification: Likely pathogenic for Oculocutaneous albinism type 1A; SKIN/HAIR/EYE PIGMENTATION 3, LIGHT/DARK SKIN; Oculocutaneous albinism type 1B. Last evaluated: 2024-04-30. Review status: criteria provided, single submitter. Criteria: ACMG Guidelines, 2015. Collection method: clinical testing. Allele origin: germline.

Labcorp Genetics (formerly Invitae), Labcorp
Classification: Pathogenic. Last evaluated: 2024-02-17. Review status: criteria provided, single submitter. Criteria: Invitae Variant Classification Sherloc (09022015). Collection method: clinical testing. Allele origin: germline.
Comment: This sequence change creates a premature translational stop signal (p.Leu288Metfs*12) in the TYR gene. It is expected to result in an absent or disrupted protein product. Loss-of-function variants in TYR are known to be pathogenic (PMID: 23504663). This variant is not present in population databases (gnomAD no frequency). This premature translational stop signal has been observed in individual(s) with oculocutaneous albinism (PMID: 10571953). This variant is also known as 861_862delTT. ClinVar contains an entry for this variant (Variation ID: 1458009). For these reasons, this variant has been classified as Pathogenic.

Literature cited by the submitters: PubMed 23504663 (cited by Labcorp Genetics (formerly Invitae), Labcorp); PubMed 10571953 (cited by Labcorp Genetics (formerly Invitae), Labcorp).

NM_000372.5(TYR):c.862_863del (p.Leu288fs)

Gene: TYR (tyrosinase; plus strand). Cytogenetic location: 11q14.3.
Variant type: Deletion.
Coding change: c.862_863del on transcript NM_000372.5 (MANE Select); coding-DNA positions 862 to 863, 2 bases deleted (TT; older notation c.862_863delTT).
Protein change: p.Leu288fs; shifts the reading frame from leucine 288.
Molecular consequence: frameshift variant.
Genome position (GRCh38, 1-based): chr11:89,191,244-89,191,245, TT deleted; deleting any 2 consecutive bases within chr11:89,191,243-89,191,245 gives the same sequence; the c. name uses the placement nearest the transcript's 3' end. VCF-style (leftmost placement, unchanged base first): chr11-89191242-CTT-C. GRCh37 (hg19) VCF-style: chr11-88924410-CTT-C.
Other names: short protein forms L288fs.
Identifiers: ClinVar variation 1458009 (VCV001458009.8), dbSNP rs2135253151, ClinGen allele CA2573147813.